The following is an entry in ClinVar:

NM_006230.4(POLD2):c.1196C>T (p.Pro399Leu)

Gene: POLD2 (DNA polymerase delta 2, accessory subunit; minus strand). Cytogenetic location: 7p13.
Variant type: single nucleotide variant.
Coding change: c.1196C>T on transcript NM_006230.4 (MANE Select); coding-DNA position 1196, C replaced by T.
Protein change: p.Pro399Leu; replaces proline 399 with leucine.
Molecular consequence: missense variant.
Genome position (GRCh38, 1-based): chr7:44,115,348, G>A on the plus strand (C>T on the coding strand, the complement: POLD2 is on the minus strand). VCF-style: chr7-44115348-G-A. GRCh37 (hg19) VCF-style: chr7-44154947-G-A.
Other names: c.1196C>T, p.Pro399Leu (NM_001127218.3, NM_001256879.2); short protein forms P399L.
Identifiers: ClinVar variation 2786536 (VCV002786536.3), dbSNP rs2096236974, ClinGen allele CA367379444.

ClinVar aggregate classification (germline): Uncertain significance (1 of 4 stars; one submission).

Allele frequency attached by ClinVar (database versions not stated): TOPMed below 0.00001.
gnomAD v4.1: 8 of 1,613,992 alleles (0.0005%); highest among the groups gnomAD compares: South Asian, 0.0011%; no homozygotes.

Submission:

Labcorp Genetics (formerly Invitae), Labcorp
Classification: Uncertain significance. Last evaluated: 2025-09-19. Review status: criteria provided, single submitter. Criteria: Invitae Variant Classification Sherloc (09022015). Collection method: clinical testing. Allele origin: germline.
Comment: This sequence change replaces proline, which is neutral and non-polar, with leucine, which is neutral and non-polar, at codon 434 of the POLD2 protein (p.Pro434Leu). This variant is not present in population databases (gnomAD no frequency). This variant has not been reported in the literature in individuals affected with POLD2-related conditions. ClinVar contains an entry for this variant (Variation ID: 2786536). Experimental studies and prediction algorithms are not available or were not evaluated, and the functional significance of this variant is currently unknown. In summary, the available evidence is currently insufficient to determine the role of this variant in disease. Therefore, it has been classified as a Variant of Uncertain Significance.